The following is an entry in ClinVar:

Single allele

Genes: ANXA11 (annexin A11; minus strand), MIR346 (microRNA 346; minus strand), MMRN2 (multimerin 2; minus strand), SHLD2 (shieldin complex subunit 2; plus strand), SNCG (synuclein gamma; plus strand) and 30 more. Cytogenetic location: 10q22.3-23.2.
Variant type: Deletion.
Identifiers: ClinVar variation 981172 (VCV000981172.1).

ClinVar aggregate classification (germline): Pathogenic (1 of 4 stars; one submission).

Submission:

Rady Children's Institute for Genomic Medicine, Rady Children's Hospital San Diego
Classification: Pathogenic. Last evaluated: 2020-05-13. Review status: criteria provided, single submitter. Criteria: ACMG CNV Guidelines, 2011. Collection method: clinical testing. Allele origin: germline. Affected: yes.
Comment: This deletion encompasses 31 protein encoding genes of which 7 have been reported in OMIM with a disease-association (PMID: 19344873). Pathogenic deletions involving this region are associated with Chromosome 10q22.3-q23.2 deletion syndrome (MIM: #612242), and have been previously reported in patients with dysmorphic features, developmental delay, behavioral concerns, limb anomalies, and congenital heart defects (PMID: 28588438, 21248748, 20345475). The reported congenital heart defects are of variable severity and include: patent ductus arteriosus, atrioventricular septal defect, tetralogy of Fallot, pulmonic regurgitation, tricuspid regurgitation, and ventricular septal defect (PMID: 28588438). This variant has not been observed at a significant frequency in the Database of Genomic Variants and thus is presumed to be rare. This result was confirmed by orthogonal testing. Based on the available evidence, this deletion is classified as Pathogenic.